The following is an entry in ClinVar:

ClinVar aggregate classification (germline): Pathogenic (1 of 4 stars; one submission).

Submission:

Labcorp Genetics (formerly Invitae), Labcorp
Classification: Pathogenic. Last evaluated: 2022-10-05. Review status: criteria provided, single submitter. Criteria: Invitae Variant Classification Sherloc (09022015). Collection method: clinical testing. Allele origin: germline.
Comment: For these reasons, this variant has been classified as Pathogenic. This variant disrupts a region of the WFS1 protein in which other variant(s) (p.Pro885Leu) have been determined to be pathogenic (PMID: 10521293, 16806192, 28432734). This suggests that this is a clinically significant region of the protein, and that variants that disrupt it are likely to be disease-causing. This variant has not been reported in the literature in individuals affected with WFS1-related conditions. This variant is not present in population databases (gnomAD no frequency). This sequence change creates a premature translational stop signal (p.Ser262Alafs*25) in the WFS1 gene. While this is not anticipated to result in nonsense mediated decay, it is expected to disrupt the last 629 amino acid(s) of the WFS1 protein.

Literature cited by the submitters: PubMed 10521293; PubMed 16806192; PubMed 28432734.

NM_006005.3(WFS1):c.784del (p.Ser262fs)

Gene: WFS1 (wolframin ER transmembrane glycoprotein; plus strand). Cytogenetic location: 4p16.1.
Variant type: Deletion.
Coding change: c.784del on transcript NM_006005.3 (MANE Select); coding-DNA position 784, one base deleted (A; older notation c.784delA).
Protein change: p.Ser262fs; shifts the reading frame from serine 262.
Molecular consequence: frameshift variant.
Genome position (GRCh38, 1-based): chr4:6,295,112, A deleted. VCF-style (leftmost placement, unchanged base first): chr4-6295111-CA-C. GRCh37 (hg19) VCF-style: chr4-6296838-CA-C.
Other names: c.784del, p.Ser262fs (NM_001145853.1); short protein forms S262fs.
Identifiers: ClinVar variation 2034137 (VCV002034137.4), dbSNP rs2474181603, ClinGen allele CA2580071776.